The following is an entry in ClinVar:

NM_000789.4(ACE):c.776G>A (p.Arg259His)

Gene: ACE (angiotensin I converting enzyme; plus strand). Cytogenetic location: 17q23.3.
Variant type: single nucleotide variant.
Coding change: c.776G>A on transcript NM_000789.4 (MANE Select); coding-DNA position 776, G replaced by A.
Protein change: p.Arg259His; replaces arginine 259 with histidine.
Molecular consequence: missense variant. On other transcripts: synonymous variant (1), 5 prime UTR variant (1).
Genome position (GRCh38, 1-based): chr17:63,480,457, G>A. VCF-style: chr17-63480457-G-A. GRCh37 (hg19) VCF-style: chr17-61557818-G-A.
Other names: c.303G>A, p.Pro101= (NM_001382700.1); c.-77G>A (NM_001382701.1); short protein forms R259H.
Identifiers: ClinVar variation 2499819 (VCV002499819.4), dbSNP rs370903033, ClinGen allele CA8699235.

ClinVar aggregate classification (germline): Conflicting classifications of pathogenicity. Review status: criteria provided, conflicting classifications (1 of 4 stars). 3 submissions from 3 submitters: Likely pathogenic (1); Uncertain significance (2). Last evaluated 2025-07-07.

Conditions:
Renal tubular dysgenesis of genetic origin. Also called: PRIMITIVE RENAL TUBULE SYNDROME. Identifiers: Orphanet 97369, MedGen C5681536, MONDO:0009970, OMIM 267430.
Hemorrhage, intracerebral, susceptibility to (ICH). Also called: Stroke, hemorrhagic, susceptibility to. Identifiers: MedGen C3281105, MONDO:0100533, OMIM 614519.
Microvascular complications of diabetes, susceptibility to, 3. Identifiers: MedGen C2675470, MONDO:0012963, OMIM 612624.

Allele frequency attached by ClinVar (database versions not stated): gnomAD 0.00001; gnomAD exomes 0.00001; ExAC 0.00002; TOPMed 0.00002; ESP Exome Variant Server 0.00008.
gnomAD v4.1: 16 of 1,613,906 alleles (0.00099%); highest among the groups gnomAD compares: Middle Eastern, 0.066%; no homozygotes.

Submissions (3):

Victorian Clinical Genetics Services, Murdoch Childrens Research Institute
Classification: Likely pathogenic for Renal tubular dysgenesis of genetic origin. Last evaluated: 2025-07-07. Review status: criteria provided, single submitter. Criteria: ACMG Guidelines, 2015. Collection method: clinical testing. Allele origin: germline. Affected: yes.
Comment: This variant is classified as Likely pathogenic. Evidence in support of pathogenic classification: Variant is present in gnomAD <0.01 for a recessive condition (v4: 16 heterozygote(s), 0 homozygote(s)); Very strong and specific phenotype match for this individual. Additional information: Variant is predicted to result in a missense amino acid change from Arg to His; This variant is homozygous; This gene is associated with autosomal recessive disease; Alternative amino acid change(s) at the same position are present in gnomAD (Highest allele count: v4: 33 heterozygote(s), 0 homozygote(s)); Previous reports of pathogenicity for this variant are conflicting. This variant has been classified as a VUS by clinical laboratories in ClinVar and reported in the literature in two individuals, one heterozygous and one compound heterozygous, with ACE-related features (PMIDs: 22095942, 26069751); No published evidence of segregation with disease has been identified for this variant; No published functional evidence has been identified for this variant; No comparable missense variants have previous evidence for pathogenicity; Variant is located in the annotated Peptidase_M2 domain (DECIPHER); Missense variant with inconclusive in silico prediction and/or uninformative conservation; Loss of function is a known mechanism of disease in this gene and is associated with renal tubular dysgenesis (MIM#267430).

Fulgent Genetics
Classification: Uncertain significance for Renal tubular dysgenesis of genetic origin; Microvascular complications of diabetes, susceptibility to, 3; Hemorrhage, intracerebral, susceptibility to. Last evaluated: 2024-04-05. Review status: criteria provided, single submitter. Criteria: ACMG Guidelines, 2015. Collection method: clinical testing. Allele origin: germline.

GeneDx
Classification: Uncertain significance. Last evaluated: 2023-04-18. Review status: criteria provided, single submitter. Criteria: GeneDx Variant Classification Process June 2021. Collection method: clinical testing. Allele origin: germline. Affected: yes.
Comment: In silico analysis supports that this missense variant has a deleterious effect on protein structure/function; This variant is associated with the following publications: (PMID: 22095942, 26069751)

Literature cited by the submitters: PubMed 26069751 (cited by Victorian Clinical Genetics Services, Murdoch Childrens Research Institute); PubMed 22095942 (cited by Victorian Clinical Genetics Services, Murdoch Childrens Research Institute).